The following is an entry in ClinVar:

ClinVar aggregate classification (germline): Uncertain significance (1 of 4 stars; one submission).

Allele frequency attached by ClinVar (database versions not stated): gnomAD 0.00001.
gnomAD v4.1: 1 of 1,614,056 alleles (0.000062%); highest among the groups gnomAD compares: Admixed American, 0.0017%; no homozygotes.

Submission:

Women's Health and Genetics/Laboratory Corporation of America, LabCorp
Classification: Uncertain significance. Last evaluated: 2016-07-10. Review status: criteria provided, single submitter. Criteria: LabCorp Variant Classification Summary - May 2015. Collection method: clinical testing. Allele origin: germline.
Comment: Variant summary: The c.1471A>G (p.Thr491Ala) in ATM gene is a missense change that involves a non-conserved nucleotide and 4/5 in silico tools predict benign outcome. The variant of interest is located outside of any known functional domain. The variant is absent from the control population dataset of ExAC and has not, to our knowledge, been reported in affected individuals via published reports or by reputable databases/clinical laboratories. Taking together, the variant was classified as VUS.

NM_000051.4(ATM):c.1471A>G (p.Thr491Ala)

Gene: ATM (ATM serine/threonine kinase; plus strand). Cytogenetic location: 11q22.3.
Variant type: single nucleotide variant.
Coding change: c.1471A>G on transcript NM_000051.4 (MANE Select); coding-DNA position 1471, A replaced by G.
Protein change: p.Thr491Ala; replaces threonine 491 with alanine.
Molecular consequence: missense variant.
Genome position (GRCh38, 1-based): chr11:108,250,936, A>G. VCF-style: chr11-108250936-A-G. GRCh37 (hg19) VCF-style: chr11-108121663-A-G.
Other names: c.1471A>G, p.Thr491Ala (NM_001351834.2); short protein forms T491A.
Identifiers: ClinVar variation 495383 (VCV000495383.1), dbSNP rs1555071008, ClinGen allele CA382534168.